The following is an entry in ClinVar:

NM_201384.3(PLEC):c.2544G>A (p.Glu848=)

Gene: PLEC (plectin; minus strand). Cytogenetic location: 8q24.3.
Variant type: single nucleotide variant.
Coding change: c.2544G>A on transcript NM_201384.3 (MANE Select); coding-DNA position 2544, G replaced by A.
Protein change: p.Glu848=; no amino-acid change (glutamic acid 848 retained).
Molecular consequence: synonymous variant.
Genome position (GRCh38, 1-based): chr8:143,930,212, C>T on the plus strand (G>A on the coding strand, the complement: PLEC is on the minus strand). VCF-style: chr8-143930212-C-T. GRCh37 (hg19) VCF-style: chr8-145004380-C-T.
Other names: p.Glu875=; c.2625G>A, p.Glu875= (NM_000445.5); c.2502G>A, p.Glu834= (NM_201378.4); c.2478G>A, p.Glu826= (NM_201379.3); c.2955G>A, p.Glu985= (NM_201380.4); c.2448G>A, p.Glu816= (NM_201381.3); c.2544G>A, p.Glu848= (NM_201382.4); c.2556G>A, p.Glu852= (NM_201383.3).
Identifiers: ClinVar variation 706565 (VCV000706565.11), dbSNP rs199938048, ClinGen allele CA4927481.

ClinVar aggregate classification (germline): Benign/Likely benign. Review status: criteria provided, multiple submitters, no conflicts (2 of 4 stars). 3 submissions from 3 submitters: Benign (2); Likely benign (1). Last evaluated 2025-10-20.

Conditions:
Epidermolysis bullosa simplex 5B, with muscular dystrophy (EBS5B). Also called: Epidermolysis bullosa simplex with muscular dystrophy; EPIDERMOLYSIS BULLOSA SIMPLEX AND LIMB-GIRDLE MUSCULAR DYSTROPHY. Identifiers: Orphanet 257, MedGen C2931072, MONDO:0009181, OMIM 226670.
Epidermolysis bullosa simplex, Ogna type (EBS5A). Also called: Pidermolysis bullosa simplex 5A, Ogna type; EPIDERMOLYSIS BULLOSA SIMPLEX 5A, OGNA TYPE. Identifiers: Orphanet 79401, MedGen C0432317, MONDO:0007555, OMIM 131950.
Autosomal recessive limb-girdle muscular dystrophy type 2Q (LGMDR17). Also called: MUSCULAR DYSTROPHY, LIMB-GIRDLE, AUTOSOMAL RECESSIVE 17. Identifiers: Orphanet 254361, MedGen C3150989, MONDO:0013390, OMIM 613723.
Epidermolysis bullosa simplex with nail dystrophy (EBS5D). Identifiers: MedGen C4225309, MONDO:0014661, OMIM 616487.
Epidermolysis bullosa simplex 5C, with pyloric atresia (EBS5C). Also called: PLEC-Related Epidermolysis Bullosa with Pyloric Atresia; Epidermolysis bullosa simplex with pyloric atresia; PLEC1-Related Epidermolysis Bullosa with Pyloric Atresia. Identifiers: Orphanet 158684, MedGen C2677349, MONDO:0012807, OMIM 612138.

Allele frequency attached by ClinVar (database versions not stated): TOPMed 0.00004; 1000 Genomes Project 0.00040; 1000 Genomes Project 30x 0.00062; ExAC 0.00166; gnomAD 0.00171 and 0.00180.
gnomAD v4.1: 1,164 of 1,583,050 alleles (0.074%); highest among the groups gnomAD compares: Non-Finnish European, 0.0085%; 12 homozygotes.

Submissions (3):

Mayo Clinic Laboratories, Mayo Clinic
Classification: Benign. Last evaluated: 2025-10-20. Review status: criteria provided, single submitter. Criteria: ACMG Guidelines, 2015. Collection method: clinical testing. Allele origin: germline. Observed: 1 variant allele.
Comment: BA1, BP4, BP7

Labcorp Genetics (formerly Invitae), Labcorp
Classification: Benign for Autosomal recessive limb-girdle muscular dystrophy type 2Q; Epidermolysis bullosa simplex, Ogna type; Epidermolysis bullosa simplex with nail dystrophy; Epidermolysis bullosa simplex 5C, with pyloric atresia; Epidermolysis bullosa simplex 5B, with muscular dystrophy. Last evaluated: 2025-04-15. Review status: criteria provided, single submitter. Criteria: Invitae Variant Classification Sherloc (09022015). Collection method: clinical testing. Allele origin: germline.

Blueprint Genetics
Classification: Likely benign. Last evaluated: 2024-11-25. Review status: criteria provided, single submitter. Criteria: ACMG Guidelines, 2015. Collection method: clinical testing. Allele origin: germline.